The following is an entry in ClinVar:

ClinVar aggregate classification (germline): Pathogenic/Likely pathogenic. Review status: criteria provided, multiple submitters, no conflicts (2 of 4 stars). 6 submissions from 6 submitters: Pathogenic (5); Likely pathogenic (1). Last evaluated 2026-01-28.

Conditions:
SKIN/HAIR/EYE PIGMENTATION 5, BLACK/NONBLACK HAIR (SHEP5). Also called: SKIN/HAIR/EYE PIGMENTATION, VARIATION IN, 5; SKIN/HAIR/EYE PIGMENTATION 5, DARK/FAIR SKIN; SKIN/HAIR/EYE PIGMENTATION 5, DARK/LIGHT EYES. Identifiers: MedGen C2673584, OMIM 227240.
Oculocutaneous albinism type 4 (OCA4). Also called: Albinism, oculocutaneous, type IV. Identifiers: Orphanet 79435, MedGen C1847836, MONDO:0011683, OMIM 606574.
SLC45A2-related disorder. Also called: SLC45A2-related condition.

Submissions (6):

Labcorp Genetics (formerly Invitae), Labcorp
Classification: Pathogenic. Last evaluated: 2026-01-28. Review status: criteria provided, single submitter. Criteria: Invitae Variant Classification Sherloc (09022015). Collection method: clinical testing. Allele origin: germline.
Comment: This sequence change creates a premature translational stop signal (p.Lys389Serfs*55) in the SLC45A2 gene. While this is not anticipated to result in nonsense mediated decay, it is expected to disrupt the last 142 amino acid(s) of the SLC45A2 protein. This variant is present in population databases (no rsID available, gnomAD 0.004%). This premature translational stop signal has been observed in individual(s) with oculocutaneous albinism (PMID: 28976636, 29345414). In at least one individual the data is consistent with being in trans (on the opposite chromosome) from a pathogenic variant. It has also been observed to segregate with disease in related individuals. ClinVar contains an entry for this variant (Variation ID: 1338319). This variant disrupts a region of the SLC45A2 protein in which other variant(s) (p.Val469*) have been determined to be pathogenic (PMID: 14961451, 29345414). This suggests that this is a clinically significant region of the protein, and that variants that disrupt it are likely to be disease-causing. For these reasons, this variant has been classified as Pathogenic.

Institute of Human Genetics, University of Leipzig Medical Center
Classification: Likely pathogenic for Oculocutaneous albinism type 4. Last evaluated: 2025-05-07. Review status: criteria provided, single submitter. Criteria: ACMG Guidelines, 2015. Collection method: clinical testing. Allele origin: unknown. Inheritance: Autosomal recessive inheritance. Affected: yes.
Comment: Criteria applied: PVS1_STR,PM3,PM2_SUP,PP1,PP4

GeneDx
Classification: Pathogenic. Last evaluated: 2024-12-09. Review status: criteria provided, single submitter. Criteria: GeneDx Variant Classification Process June 2021. Collection method: clinical testing. Allele origin: germline. Affected: yes.
Comment: Identified in the heterozygous state in one family from a cohort of families with cutaneous melanoma (PMID: 31233279); Frameshift variant predicted to result in abnormal protein length as the last 142 amino acids are replaced with 54 different amino acids, and other similar variants have been reported in HGMD; Also known as c.1164_1166delAA; This variant is associated with the following publications: (PMID: 18463683, 29345414, 28976636, 31233279, 36553465)

Fulgent Genetics
Classification: Pathogenic for SKIN/HAIR/EYE PIGMENTATION 5, BLACK/NONBLACK HAIR; Oculocutaneous albinism type 4. Last evaluated: 2024-04-23. Review status: criteria provided, single submitter. Criteria: ACMG Guidelines, 2015. Collection method: clinical testing. Allele origin: germline.

Blueprint Genetics
Classification: Pathogenic for SLC45A2-related disorders. Last evaluated: 2024-02-26. Review status: criteria provided, single submitter. Criteria: ACMG Guidelines, 2015. Collection method: clinical testing. Allele origin: germline. Affected: yes. Observed: 5 variant alleles.

Genetic Services Laboratory, University of Chicago
Classification: Pathogenic. Last evaluated: 2017-10-25. Review status: criteria provided, single submitter. Criteria: ACMG Guidelines, 2015. Collection method: clinical testing. Allele origin: germline. Affected: yes.

Literature cited by the submitters: PubMed 28976636 (cited by Labcorp Genetics (formerly Invitae), Labcorp); PubMed 29345414 (cited by Labcorp Genetics (formerly Invitae), Labcorp); PubMed 14961451 (cited by Labcorp Genetics (formerly Invitae), Labcorp).

NM_016180.5(SLC45A2):c.1166_1167del (p.Lys389fs)

Gene: SLC45A2 (solute carrier family 45 member 2; minus strand). Cytogenetic location: 5p13.2.
Variant type: Deletion.
Coding change: c.1166_1167del on transcript NM_016180.5 (MANE Select); coding-DNA positions 1166 to 1167, 2 bases deleted (AA; older notation c.1166_1167delAA).
Protein change: p.Lys389fs; shifts the reading frame from lysine 389.
Molecular consequence: frameshift variant.
Genome position (GRCh38, 1-based): chr5:33,947,364-33,947,365, TT deleted on the plus strand (AA on the coding strand, the reverse complement: SLC45A2 is on the minus strand); deleting any 2 consecutive bases within chr5:33,947,364-33,947,366 gives the same sequence; the c. name uses the placement nearest the transcript's 3' end. VCF-style (leftmost placement, unchanged base first): chr5-33947363-CTT-C. GRCh37 (hg19) VCF-style: chr5-33947468-CTT-C.
Other names: c.1166_1167del, p.Lys389fs (NM_001012509.4); short protein forms K389fs.
Identifiers: ClinVar variation 1338319 (VCV001338319.15), dbSNP rs896495198, ClinGen allele CA116874485.